The following is an entry in ClinVar:

NM_194277.3(FRMD7):c.79_80insA (p.Leu27fs)

Gene: FRMD7 (FERM domain containing 7; minus strand). Cytogenetic location: Xq26.2.
Variant type: Insertion.
Coding change: c.79_80insA on transcript NM_194277.3 (MANE Select); coding-DNA positions 79 to 80, A inserted.
Protein change: p.Leu27fs; shifts the reading frame from leucine 27.
Molecular consequence: frameshift variant.
Genome position: GRCh38 VCF-style: chrX-132100694-A-AT. GRCh37 (hg19) VCF-style: chrX-131234722-A-AT.
Other names: c.79_80insA, p.Leu27fs (NM_001306193.2); short protein forms L27fs.
Identifiers: ClinVar variation 4725699 (VCV004725699.1).
Genomic context (GRCh38, chrX:132,100,694, plus strand): 5'-AATTCTAATCCAAAATATTCCTTTTCAGCAAGATTTAGATGGCTGCAACTCAGGTTAAAC[A>AT]ATGCCTTCCCGGATGACTTTTGCTAAACAAAACAAAAAGATGATAGCACAATTTGCATTC-3'

ClinVar aggregate classification (germline): Pathogenic (1 of 4 stars; one submission).

Submission:

Labcorp Genetics (formerly Invitae), Labcorp
Classification: Pathogenic. Last evaluated: 2025-08-19. Review status: criteria provided, single submitter. Criteria: Invitae Variant Classification Sherloc (09022015). Collection method: clinical testing. Allele origin: germline.
Comment: This sequence change creates a premature translational stop signal (p.Leu27Tyrfs*3) in the FRMD7 gene. It is expected to result in an absent or disrupted protein product. Loss-of-function variants in FRMD7 are known to be pathogenic (PMID: 17013395). This variant is not present in population databases (gnomAD no frequency). This variant has not been reported in the literature in individuals affected with FRMD7-related conditions. For these reasons, this variant has been classified as Pathogenic.

Literature cited by the submitters: PubMed 17013395.